The following is an entry in ClinVar:

NM_004446.3(EPRS1):c.795A>G (p.Gln265=)

Gene: EPRS1 (glutamyl-prolyl-tRNA synthetase 1; minus strand). Cytogenetic location: 1q41.
Variant type: single nucleotide variant.
Coding change: c.795A>G on transcript NM_004446.3 (MANE Select); coding-DNA position 795, A replaced by G.
Protein change: p.Gln265=; no amino-acid change (glutamine 265 retained).
Molecular consequence: synonymous variant.
Genome position (GRCh38, 1-based): chr1:220,024,412, T>C on the plus strand (A>G on the coding strand, the complement: EPRS1 is on the minus strand). VCF-style: chr1-220024412-T-C. GRCh37 (hg19) VCF-style: chr1-220197754-T-C.
Other names: c.795A>G (NM_004446.2).
Identifiers: ClinVar variation 1681000 (VCV001681000.11), dbSNP rs138537399, ClinGen allele CA1400442.
Genomic context (GRCh38, chr1:220,024,412, plus strand): 5'-TTGAATTAGCTTCTCTGCATACTTCATTATAGTTTCAAAATGATCCGAAGTATAAGTAAA[T>C]TGATCTGGTTTGATATGCAACATTGCAACATCTTCCAAGATAACCTGTAGTAAGAAACCA-3'
Protein context (NP_004437.2, residues 255-275): DVAMLHIKPD[Gln265=]FTYTSDHFET

ClinVar aggregate classification (germline): Likely benign. Review status: criteria provided, multiple submitters, no conflicts (2 of 4 stars). 3 submissions from 3 submitters: Likely benign (2). 1 of the submissions does not count toward it. Last evaluated 2024-09-20.

Conditions:
EPRS1-related disorder. Also called: EPRS1-related condition.

Allele frequency attached by ClinVar (database versions not stated): ExAC 0.00003; gnomAD 0.00003 and 0.00004; gnomAD exomes 0.00004 and 0.00007; TOPMed 0.00005; ESP Exome Variant Server 0.00015.
gnomAD v4.1: 112 of 1,609,490 alleles (0.007%); highest among the groups gnomAD compares: Middle Eastern, 0.082%; no homozygotes.

Submissions (3):

Blueprint Genetics
Classification: Likely benign. Last evaluated: 2024-09-20. Review status: criteria provided, single submitter. Criteria: ACMG Guidelines, 2015. Collection method: clinical testing. Allele origin: germline.

Labcorp Genetics (formerly Invitae), Labcorp
Classification: Likely benign. Last evaluated: 2024-03-04. Review status: criteria provided, single submitter. Criteria: Invitae Variant Classification Sherloc (09022015). Collection method: clinical testing. Allele origin: germline.

PreventionGenetics, part of Exact Sciences
Classification: Likely benign for EPRS1-related condition. Last evaluated: 2021-06-07. Review status: no assertion criteria provided. Collection method: clinical testing. Allele origin: germline. Not counted in ClinVar's aggregate classification.
Comment: This variant is classified as likely benign based on ACMG/AMP sequence variant interpretation guidelines (Richards et al. 2015 PMID: 25741868, with internal and published modifications).